The following is an entry in ClinVar:

NM_003072.5(SMARCA4):c.1482A>G (p.Thr494=)

Gene: SMARCA4 (SWI/SNF related BAF chromatin remodeling complex subunit ATPase 4; plus strand). Cytogenetic location: 19p13.2.
Variant type: single nucleotide variant.
Coding change: c.1482A>G on transcript NM_003072.5 (MANE Select); coding-DNA position 1482, A replaced by G.
Protein change: p.Thr494=; no amino-acid change (threonine 494 retained).
Molecular consequence: synonymous variant. On other transcripts: non-coding transcript variant (1).
Genome position (GRCh38, 1-based): chr19:10,994,890, A>G. VCF-style: chr19-10994890-A-G. GRCh37 (hg19) VCF-style: chr19-11105566-A-G.
Other names: c.1482A>G, p.Thr494= (NM_001387283.1, NM_001128844.3, NM_001128845.2 and 5 more transcripts).
Identifiers: ClinVar variation 415148 (VCV000415148.16), dbSNP rs1060504463, ClinGen allele CA16615928.

ClinVar aggregate classification (germline): Benign/Likely benign. Review status: criteria provided, multiple submitters, no conflicts (2 of 4 stars). 4 submissions from 4 submitters: Benign (1); Likely benign (3). Last evaluated 2026-07-10.

Conditions:
Rhabdoid tumor predisposition syndrome 2 (RTPS2). Identifiers: Orphanet 231108, Orphanet 69077, MedGen C2750074, MONDO:0013224, OMIM 613325.
Hereditary cancer-predisposing syndrome. Also called: Hereditary Cancer Syndrome; Hereditary neoplastic syndrome; Neoplastic Syndromes, Hereditary; Tumor predisposition. Identifiers: Orphanet 140162, MedGen C0027672, MeSH D009386, MONDO:0015356.

Allele frequency attached by ClinVar (database versions not stated): gnomAD 0.00001; TOPMed 0.00001.
gnomAD v4.1: 6 of 1,614,028 alleles (0.00037%); highest among the groups gnomAD compares: Non-Finnish European, 0.00051%; no homozygotes.

Submissions (4):

Myriad Genetics, Inc.
Classification: Benign for Rhabdoid tumor predisposition syndrome 2. Last evaluated: 2026-07-10. Review status: criteria provided, single submitter. Criteria: Myriad Autosomal Dominant, Autosomal Recessive and X-Linked Classification Criteria (2023). Collection method: clinical testing. Allele origin: unknown.
Comment: This variant is considered benign. This variant is a silent/synonymous amino acid change and it is not expected to impact splicing.

Labcorp Genetics (formerly Invitae), Labcorp
Classification: Likely benign for Rhabdoid tumor predisposition syndrome 2. Last evaluated: 2025-12-16. Review status: criteria provided, single submitter. Criteria: Invitae Variant Classification Sherloc (09022015). Collection method: clinical testing. Allele origin: germline.

Ambry Genetics
Classification: Likely benign for Hereditary cancer-predisposing syndrome. Last evaluated: 2019-08-20. Review status: criteria provided, single submitter. Criteria: Ambry Variant Classification Scheme 2023. Collection method: clinical testing. Allele origin: germline.

GeneDx
Classification: Likely benign. Last evaluated: 2018-06-14. Review status: criteria provided, single submitter. Criteria: GeneDx Variant Classification (06012015). Collection method: clinical testing. Allele origin: germline. Affected: yes.
Comment: This variant is considered likely benign or benign based on one or more of the following criteria: it is a conservative change, it occurs at a poorly conserved position in the protein, it is predicted to be benign by multiple in silico algorithms, and/or has population frequency not consistent with disease.